The following is an entry in ClinVar:

ClinVar aggregate classification (germline): Pathogenic (1 of 4 stars; one submission).

Conditions:
Retinoblastoma (RB1). Also called: RETINOBLASTOMA, SOMATIC. Identifiers: Orphanet 790, MedGen C0035335, MeSH D012175, MONDO:0008380, OMIM 180200, HP:0009919. Disease mechanism: loss of function. Inheritance: Both sporadic and heritable forms are tested..

Submission:

Labcorp Genetics (formerly Invitae), Labcorp
Classification: Pathogenic for Retinoblastoma. Last evaluated: 2019-11-05. Review status: criteria provided, single submitter. Criteria: Invitae Variant Classification Sherloc (09022015). Collection method: clinical testing. Allele origin: germline.
Comment: Loss-of-function variants in RB1 are known to be pathogenic (PMID: 17096365). For these reasons, this variant has been classified as Pathogenic. This variant has not been reported in the literature in individuals with RB1-related conditions. This variant is not present in population databases (ExAC no frequency). This sequence change creates a premature translational stop signal (p.Phe104Leufs*6) in the RB1 gene. It is expected to result in an absent or disrupted protein product.

Literature cited by the submitters: PubMed 17096365.

NM_000321.3(RB1):c.309_312del (p.Phe104fs)

Gene: RB1 (RB transcriptional corepressor 1; plus strand). Cytogenetic location: 13q14.2.
Variant type: Deletion.
Coding change: c.309_312del on transcript NM_000321.3 (MANE Select); coding-DNA positions 309 to 312, 4 bases deleted (CTTT; older notation c.309_312delCTTT).
Protein change: p.Phe104fs; shifts the reading frame from phenylalanine 104.
Molecular consequence: frameshift variant.
Genome position (GRCh38, 1-based): chr13:48,342,643-48,342,646, CTTT deleted; deleting any 4 consecutive bases within chr13:48,342,642-48,342,646 gives the same sequence; the c. name uses the placement nearest the transcript's 3' end. VCF-style (leftmost placement, unchanged base first): chr13-48342641-ATCTT-A. GRCh37 (hg19) VCF-style: chr13-48916777-ATCTT-A.
Other names: short protein forms F104fs.
Identifiers: ClinVar variation 965740 (VCV000965740.7), dbSNP rs1952456105, ClinGen allele CA1139663282.